The following is an entry in ClinVar:

ClinVar aggregate classification (germline): Uncertain significance (1 of 4 stars; one submission).

gnomAD v4.1: 3 of 1,612,832 alleles (0.00019%); highest among the groups gnomAD compares: Non-Finnish European, 0.00025%; no homozygotes.

Submission:

Labcorp Genetics (formerly Invitae), Labcorp
Classification: Uncertain significance. Last evaluated: 2025-07-14. Review status: criteria provided, single submitter. Criteria: Invitae Variant Classification Sherloc (09022015). Collection method: clinical testing. Allele origin: germline.
Comment: This sequence change replaces glycine, which is neutral and non-polar, with arginine, which is basic and polar, at codon 259 of the COL9A3 protein (p.Gly259Arg). This variant is not present in population databases (gnomAD no frequency). This variant has not been reported in the literature in individuals affected with COL9A3-related conditions. Invitae Evidence Modeling of protein sequence and biophysical properties (such as structural, functional, and spatial information, amino acid conservation, physicochemical variation, residue mobility, and thermodynamic stability) indicates that this missense variant is expected to disrupt COL9A3 protein function with a positive predictive value of 95%. In summary, the available evidence is currently insufficient to determine the role of this variant in disease. Therefore, it has been classified as a Variant of Uncertain Significance.

NM_001853.4(COL9A3):c.775G>A (p.Gly259Arg)

Gene: COL9A3 (collagen type IX alpha 3 chain; plus strand). Cytogenetic location: 20q13.33.
Variant type: single nucleotide variant.
Coding change: c.775G>A on transcript NM_001853.4 (MANE Select); coding-DNA position 775, G replaced by A.
Protein change: p.Gly259Arg; replaces glycine 259 with arginine.
Molecular consequence: missense variant.
Genome position (GRCh38, 1-based): chr20:62,826,803, G>A. VCF-style: chr20-62826803-G-A. GRCh37 (hg19) VCF-style: chr20-61458155-G-A.
Other names: short protein forms G259R.
Identifiers: ClinVar variation 4803135 (VCV004803135.1).